The following is an entry in ClinVar:

ClinVar aggregate classification (germline): Uncertain significance. Review status: criteria provided, multiple submitters, no conflicts (2 of 4 stars). 2 submissions from 2 submitters: Uncertain significance (2). Last evaluated 2025-06-22.

Conditions:
Hereditary cancer-predisposing syndrome. Also called: Hereditary neoplastic syndrome; Neoplastic Syndromes, Hereditary; Tumor predisposition; Hereditary Cancer Syndrome. Identifiers: Orphanet 140162, MedGen C0027672, MeSH D009386, MONDO:0015356.
Neuroblastoma, susceptibility to, 3. Also called: ALK-Related Neuroblastic Tumor Susceptibility. Identifiers: Orphanet 635, MedGen C2751681, MONDO:0013083, OMIM 613014.

Allele frequency attached by ClinVar (database versions not stated): gnomAD exomes below 0.00001; ExAC 0.00001; gnomAD 0.00001; TOPMed 0.00003.
gnomAD v4.1: 3 of 1,614,116 alleles (0.00019%); highest among the groups gnomAD compares: African/African-American, 0.004%; no homozygotes.

Submissions (2):

Ambry Genetics
Classification: Uncertain significance for Hereditary cancer-predisposing syndrome. Last evaluated: 2025-06-22. Review status: criteria provided, single submitter. Criteria: Ambry Variant Classification Scheme 2023. Collection method: clinical testing. Allele origin: germline.
Comment: The p.Q1482P variant (also known as c.4445A>C), located in coding exon 29 of the ALK gene, results from an A to C substitution at nucleotide position 4445. The glutamine at codon 1482 is replaced by proline, an amino acid with similar properties. This amino acid position is conserved. In addition, the in silico prediction for this alteration is inconclusive. Since supporting evidence is limited at this time, the clinical significance of this alteration remains unclear.

Labcorp Genetics (formerly Invitae), Labcorp
Classification: Uncertain significance for Neuroblastoma, susceptibility to, 3. Last evaluated: 2023-04-07. Review status: criteria provided, single submitter. Criteria: Invitae Variant Classification Sherloc (09022015). Collection method: clinical testing. Allele origin: germline.
Comment: An algorithm developed to predict the effect of missense changes on protein structure and function (PolyPhen-2) suggests that this variant is likely to be tolerated. In summary, the available evidence is currently insufficient to determine the role of this variant in disease. Therefore, it has been classified as a Variant of Uncertain Significance. ClinVar contains an entry for this variant (Variation ID: 470873). This variant has not been reported in the literature in individuals affected with ALK-related conditions. This variant is present in population databases (rs751473124, gnomAD 0.007%). This sequence change replaces glutamine, which is neutral and polar, with proline, which is neutral and non-polar, at codon 1482 of the ALK protein (p.Gln1482Pro).

NM_004304.5(ALK):c.4445A>C (p.Gln1482Pro)

Gene: ALK (ALK receptor tyrosine kinase; minus strand). Cytogenetic location: 2p23.2.
Variant type: single nucleotide variant.
Coding change: c.4445A>C on transcript NM_004304.5 (MANE Select); coding-DNA position 4445, A replaced by C.
Protein change: p.Gln1482Pro; replaces glutamine 1482 with proline.
Molecular consequence: missense variant.
Genome position (GRCh38, 1-based): chr2:29,193,642, T>G on the plus strand (A>C on the coding strand, the complement: ALK is on the minus strand). VCF-style: chr2-29193642-T-G. GRCh37 (hg19) VCF-style: chr2-29416508-T-G.
Other names: c.1241A>C, p.Gln414Pro (NM_001353765.2); short protein forms Q1482P, Q414P.
Identifiers: ClinVar variation 470873 (VCV000470873.14), dbSNP rs751473124, ClinGen allele CA1593573.